The following is an entry in ClinVar:

ClinVar aggregate classification (germline): Pathogenic (1 of 4 stars; one submission).

Conditions:
Hereditary cancer-predisposing syndrome. Also called: Neoplastic Syndromes, Hereditary; Tumor predisposition; Hereditary Cancer Syndrome; Hereditary neoplastic syndrome. Identifiers: Orphanet 140162, MedGen C0027672, MeSH D009386, MONDO:0015356.

Submission:

Ambry Genetics
Classification: Pathogenic for Hereditary cancer-predisposing syndrome. Last evaluated: 2017-11-22. Review status: criteria provided, single submitter. Criteria: Ambry Variant Classification Scheme 2023. Collection method: clinical testing. Allele origin: germline.
Comment: The c.199_203dupTGTCC pathogenic mutation, located in coding exon 2 of the BMPR1A gene, results from a duplication of TGTCC at nucleotide position 199, causing a translational frameshift with a predicted alternate stop codon (p.D69Vfs*11). This alteration is expected to result in loss of function by premature protein truncation or nonsense-mediated mRNA decay. As such, this alteration is interpreted as a disease-causing mutation.

NM_004329.3(BMPR1A):c.199_203dup (p.Asp69fs)

Gene: BMPR1A (bone morphogenetic protein receptor type 1A; plus strand). Cytogenetic location: 10q23.2.
Variant type: Duplication.
Coding change: c.199_203dup on transcript NM_004329.3 (MANE Select); coding-DNA positions 199 to 203, 5 bases duplicated (TGTCC; older notation c.199_203dupTGTCC).
Protein change: p.Asp69fs; shifts the reading frame from aspartic acid 69.
Molecular consequence: frameshift variant.
Genome position (GRCh38, 1-based): chr10:86,890,193-86,890,197, TGTCC duplicated; duplicating any 5 consecutive bases within chr10:86,890,192-86,890,197 gives the same sequence; the c. name uses the placement nearest the transcript's 3' end. VCF-style (leftmost placement, unchanged base first): chr10-86890191-A-ACTGTC. GRCh37 (hg19) VCF-style: chr10-88649948-A-ACTGTC.
Other names: c.199_203dupTGTCC (NM_004329.2); short protein forms D69fs.
Identifiers: ClinVar variation 482872 (VCV000482872.5), dbSNP rs1554888134, ClinGen allele CA658657973.